The following is an entry in ClinVar:

NM_001379200.1(TBX1):c.712-1G>T

Gene: TBX1 (T-box transcription factor 1; plus strand). Cytogenetic location: 22q11.21.
Variant type: single nucleotide variant.
Coding change: c.712-1G>T on transcript NM_001379200.1 (MANE Select); the canonical splice acceptor site of the intron before coding-DNA position 712, G replaced by T.
Molecular consequence: splice acceptor variant.
Genome position (GRCh38, 1-based): chr22:19,764,957, G>T. VCF-style: chr22-19764957-G-T. GRCh37 (hg19) VCF-style: chr22-19752480-G-T.
Other names: c.685-1G>T (NM_005992.1, NM_080646.2, NM_080647.1).
Identifiers: ClinVar variation 4532735 (VCV004532735.1).
Genomic context (GRCh38, chr22:19,764,957, plus strand): 5'-CCCACCCCAGATCCTCAGCCCAGCCCCACCGCTGGAGCTGATTCCCCACCTTGTCTTCCA[G>T]ATTATTCTGAATTCCATGCACAGATACCAGCCCCGCTTCCACGTGGTCTATGTGGACCCA-3'

ClinVar aggregate classification (germline): Likely pathogenic (1 of 4 stars; one submission).

Submission:

GeneDx
Classification: Likely pathogenic. Last evaluated: 2025-05-30. Review status: criteria provided, single submitter. Criteria: GeneDx Variant Classification Process June 2021. Collection method: clinical testing. Allele origin: germline. Affected: yes.
Comment: Canonical splice site variant predicted to result in an in-frame loss of the adjacent exon in a gene for which loss of function is a known mechanism of disease; Not observed at significant frequency in large population cohorts (gnomAD); Has not been previously published as pathogenic or benign to our knowledge